The following is an entry in ClinVar:

ClinVar aggregate classification (germline): Uncertain significance (1 of 4 stars; one submission).

gnomAD v4.1: 1 of 1,608,382 alleles (0.000062%); highest among the groups gnomAD compares: Non-Finnish European, 0.000085%; no homozygotes.

Submission:

GeneDx
Classification: Uncertain significance. Last evaluated: 2025-03-12. Review status: criteria provided, single submitter. Criteria: GeneDx Variant Classification Process June 2021. Collection method: clinical testing. Allele origin: germline. Affected: yes.
Comment: Not observed at significant frequency in large population cohorts (gnomAD); In silico analysis supports that this missense variant has a deleterious effect on protein structure/function; Has not been previously published as pathogenic or benign to our knowledge; This variant is associated with the following publications: (PMID: 24709677, 25279699)

NM_133642.5(LARGE1):c.214G>T (p.Val72Leu)

Gene: LARGE1 (LARGE xylosyl- and glucuronyltransferase 1; minus strand). Cytogenetic location: 22q12.3.
Variant type: single nucleotide variant.
Coding change: c.214G>T on transcript NM_133642.5 (MANE Select); coding-DNA position 214, G replaced by T.
Protein change: p.Val72Leu; replaces valine 72 with leucine.
Molecular consequence: missense variant.
Genome position (GRCh38, 1-based): chr22:33,650,561, C>A on the plus strand (G>T on the coding strand, the complement: LARGE1 is on the minus strand). VCF-style: chr22-33650561-C-A. GRCh37 (hg19) VCF-style: chr22-34046547-C-A.
Other names: c.214G>T, p.Val72Leu (NM_001362949.2, NM_001362951.2, NM_001362953.2 and 7 more transcripts); short protein forms V72L.
Identifiers: ClinVar variation 4082918 (VCV004082918.1).
Genomic context (GRCh38, chr22:33,650,561, plus strand): 5'-ATGGGGCTCGGCCCTGGGCCAGGCTGAGCTGCCTGCGGAGGGCGCGGTTCTCCTCCTCCA[C>A]CTCGCGCATGCGCACCTCCAGGCTCTCGCGCTCCCGCTGGCTGGAGGCCGTGTACCTGGG-3'
Protein context (NP_598397.1, residues 62-82): RESLEVRMRE[Val72Leu]EEENRALRRQ